The following is an entry in ClinVar:

ClinVar aggregate classification (germline): Pathogenic (1 of 4 stars; one submission).

Conditions:
MHC class II deficiency. Also called: BLS, TYPE II; Bare lymphocyte syndrome 2. Identifiers: Orphanet 572, MedGen C5447452, MONDO:0008855.

Allele frequency attached by ClinVar (database versions not stated): gnomAD exomes below 0.00001; TOPMed below 0.00001; gnomAD 0.00001.
gnomAD v4.1: 7 of 1,614,032 alleles (0.00043%); highest among the groups gnomAD compares: African/African-American, 0.0013%; no homozygotes.

Submission:

Labcorp Genetics (formerly Invitae), Labcorp
Classification: Pathogenic for MHC class II deficiency. Last evaluated: 2024-01-22. Review status: criteria provided, single submitter. Criteria: Invitae Variant Classification Sherloc (09022015). Collection method: clinical testing. Allele origin: germline.
Comment: This sequence change creates a premature translational stop signal (p.Arg149*) in the RFX5 gene. It is expected to result in an absent or disrupted protein product. Loss-of-function variants in RFX5 are known to be pathogenic (PMID: 7744245, 9401005, 10079298). This variant is present in population databases (no rsID available, gnomAD 0.004%). This premature translational stop signal has been observed in individual(s) with primary immunodeficiency (PMID: 32888943). ClinVar contains an entry for this variant (Variation ID: 1414875). For these reasons, this variant has been classified as Pathogenic.

Literature cited by the submitters: PubMed 7744245; PubMed 9401005; PubMed 10079298; PubMed 32888943.

NM_001025603.2(RFX5):c.445C>T (p.Arg149Ter)

Gene: RFX5 (regulatory factor X5; minus strand). Cytogenetic location: 1q21.3.
Variant type: single nucleotide variant.
Coding change: c.445C>T on transcript NM_001025603.2 (MANE Select); coding-DNA position 445, C replaced by T.
Protein change: p.Arg149Ter; replaces arginine 149 with a stop codon.
Molecular consequence: nonsense.
Genome position (GRCh38, 1-based): chr1:151,344,445, G>A on the plus strand (C>T on the coding strand, the complement: RFX5 is on the minus strand). VCF-style: chr1-151344445-G-A. GRCh37 (hg19) VCF-style: chr1-151316921-G-A.
Other names: c.445C>T, p.Arg149Ter (NM_000449.4, NM_001379412.1, NM_001379413.1 and 5 more transcripts); c.325C>T, p.Arg109Ter (NM_001379419.1, NM_001379420.1); short protein forms R109*, R149*.
Identifiers: ClinVar variation 1414875 (VCV001414875.6), dbSNP rs1489967497, ClinGen allele CA341941394.
Genomic context (GRCh38, chr1:151,344,445, plus strand): 5'-CCTCCACCCCCAACCTCTCTAGTCAAGGATACTTGGACTGGCCCCGGCCACCAAGCCTTC[G>A]AGCTTTGATGTCAGGGAAGATCTCTCTGATGATCTTGCCAAAGTTGGCTGTGCTGAGTGG-3'